The following is an entry in ClinVar:

ClinVar aggregate classification (germline): Uncertain significance. Review status: criteria provided, multiple submitters, no conflicts (2 of 4 stars). 2 submissions from 2 submitters: Uncertain significance (2). Last evaluated 2021-10-15.

Conditions:
Amyotrophic lateral sclerosis type 1 (ALS1). Also called: AMYOTROPHIC LATERAL SCLEROSIS 1, FAMILIAL. Identifiers: Orphanet 803, MedGen C1862939, MONDO:0007103, OMIM 105400.
Perry syndrome. Also called: PARKINSONISM WITH ALVEOLAR HYPOVENTILATION AND MENTAL DEPRESSION. Identifiers: Orphanet 178509, MedGen C1868594, MONDO:0008201, OMIM 168605.
Neuronopathy, distal hereditary motor, type 7B. Also called: Distal Hereditary Motor Neuronopathy Type 7B (dHMN7B); NEURONOPATHY, DISTAL HEREDITARY MOTOR, AUTOSOMAL DOMINANT 14; NEURONOPATHY, DISTAL HEREDITARY MOTOR, HARDING TYPE VIIB; NEUROPATHY, DISTAL HEREDITARY MOTOR, HARDING TYPE VIIB; NEUROPATHY, DISTAL HEREDITARY MOTOR, WITH VOCAL CORD PARALYSIS, HARDING TYPE VIIB; HMN VIIB. Identifiers: Orphanet 139589, MedGen C1843315, MONDO:0011879, OMIM 607641.

Allele frequency attached by ClinVar (database versions not stated): ExAC 0.00001; gnomAD 0.00001 and 0.00002; 1000 Genomes Project 30x 0.00016; gnomAD exomes below 0.00001; TOPMed below 0.00001; 1000 Genomes Project 0.00020.
gnomAD v4.1: 5 of 1,614,228 alleles (0.00031%); highest among the groups gnomAD compares: African/African-American, 0.0067%; no homozygotes.

Submissions (2):

Fulgent Genetics
Classification: Uncertain significance for Amyotrophic lateral sclerosis type 1; Perry syndrome; Neuronopathy, distal hereditary motor, type 7B. Last evaluated: 2021-10-15. Review status: criteria provided, single submitter. Criteria: ACMG Guidelines, 2015. Collection method: clinical testing. Allele origin: unknown.

Labcorp Genetics (formerly Invitae), Labcorp
Classification: Uncertain significance for Amyotrophic lateral sclerosis type 1; Neuronopathy, distal hereditary motor, type 7B; Perry syndrome. Last evaluated: 2021-09-01. Review status: criteria provided, single submitter. Criteria: Invitae Variant Classification Sherloc (09022015). Collection method: clinical testing. Allele origin: germline.
Comment: This sequence change replaces leucine with valine at codon 896 of the DCTN1 protein (p.Leu896Val). The leucine residue is highly conserved and there is a small physicochemical difference between leucine and valine. This variant is present in population databases (rs545910781, ExAC 0.01%). This missense change has been observed in individual(s) with DCTN1-related conditions (PMID: 29339765). Algorithms developed to predict the effect of missense changes on protein structure and function are either unavailable or do not agree on the potential impact of this missense change (SIFT: "Deleterious"; PolyPhen-2: "Benign"; Align-GVGD: "Class C25"). In summary, the available evidence is currently insufficient to determine the role of this variant in disease. Therefore, it has been classified as a Variant of Uncertain Significance.

Literature cited by the submitters: PubMed 29339765 (cited by Labcorp Genetics (formerly Invitae), Labcorp).

NM_004082.5(DCTN1):c.2686C>G (p.Leu896Val)

Gene: DCTN1 (dynactin subunit 1; minus strand). Cytogenetic location: 2p13.1.
Variant type: single nucleotide variant.
Coding change: c.2686C>G on transcript NM_004082.5 (MANE Select); coding-DNA position 2686, C replaced by G.
Protein change: p.Leu896Val; replaces leucine 896 with valine.
Molecular consequence: missense variant. On other transcripts: non-coding transcript variant (1).
Genome position (GRCh38, 1-based): chr2:74,366,318, G>C on the plus strand (C>G on the coding strand, the complement: DCTN1 is on the minus strand). VCF-style: chr2-74366318-G-C. GRCh37 (hg19) VCF-style: chr2-74593445-G-C.
Other names: c.2626C>G, p.Leu876Val (NM_001135040.3); c.2284C>G, p.Leu762Val (NM_001135041.3, NM_023019.4); c.2575C>G, p.Leu859Val (NM_001190836.2); c.2665C>G, p.Leu889Val (NM_001190837.2); c.2635C>G, p.Leu879Val (NM_001378991.1); c.2617C>G, p.Leu873Val (NM_001378992.1); short protein forms L762V, L859V, L876V, L896V, L889V, L873V, L879V.
Identifiers: ClinVar variation 848831 (VCV000848831.7), dbSNP rs545910781, ClinGen allele CA1721765.